The following is an entry in ClinVar:

ClinVar aggregate classification (germline): Benign/Likely benign. Review status: criteria provided, multiple submitters, no conflicts (2 of 4 stars). 5 submissions from 5 submitters: Benign (1); Likely benign (3). 1 of the submissions does not count toward it. Last evaluated 2025-11-18.

Conditions:
CYP26B1-related disorder. Also called: CYP26B1-related condition.

Allele frequency attached by ClinVar (database versions not stated): 1000 Genomes Project 0.01757; 1000 Genomes Project 30x 0.01999; ESP Exome Variant Server 0.01553; TOPMed 0.01577.

Submissions (5):

Labcorp Genetics (formerly Invitae), Labcorp
Classification: Benign. Last evaluated: 2025-11-18. Review status: criteria provided, single submitter. Criteria: Invitae Variant Classification Sherloc (09022015). Collection method: clinical testing. Allele origin: germline.

GeneDx
Classification: Likely benign. Last evaluated: 2022-11-03. Review status: criteria provided, single submitter. Criteria: GeneDx Variant Classification Process June 2021. Collection method: clinical testing. Allele origin: germline. Affected: yes.
Comment: See Variant Classification Assertion Criteria.

Center for Pediatric Genomic Medicine, Children's Mercy Hospital and Clinics
Classification: Likely benign. Last evaluated: 2017-07-31. Review status: criteria provided, single submitter. Criteria: ACMG Guidelines, 2015. Collection method: clinical testing. Allele origin: germline.

Breakthrough Genomics
Classification: Likely benign. Review status: criteria provided, single submitter. Criteria: ACMG Guidelines, 2015. Collection method: not provided. Allele origin: germline. Inheritance: Unknown mechanism. Affected: yes.

PreventionGenetics, part of Exact Sciences
Classification: Benign for CYP26B1-related condition. Last evaluated: 2024-06-14. Review status: no assertion criteria provided. Collection method: clinical testing. Allele origin: germline. Not counted in ClinVar's aggregate classification.
Comment: This variant is classified as benign based on ACMG/AMP sequence variant interpretation guidelines (Richards et al. 2015 PMID: 25741868, with internal and published modifications).

NM_019885.4(CYP26B1):c.1259C>G (p.Ala420Gly)

Gene: CYP26B1 (cytochrome P450 family 26 subfamily B member 1; minus strand). Cytogenetic location: 2p13.2.
Variant type: single nucleotide variant.
Coding change: c.1259C>G on transcript NM_019885.4 (MANE Select); coding-DNA position 1259, C replaced by G.
Protein change: p.Ala420Gly; replaces alanine 420 with glycine.
Molecular consequence: missense variant.
Genome position (GRCh38, 1-based): chr2:72,132,507, G>C on the plus strand (C>G on the coding strand, the complement: CYP26B1 is on the minus strand). VCF-style: chr2-72132507-G-C. GRCh37 (hg19) VCF-style: chr2-72359636-G-C.
Other names: c.1034C>G, p.Ala345Gly (NM_001277742.2); short protein forms A420G, A345G.
Identifiers: ClinVar variation 445321 (VCV000445321.16), dbSNP rs7568553, ClinGen allele CA1707795.